The following is an entry in ClinVar:

NM_003859.3(DPM1):c.679-8del

Genes: ADNP-AS1 (ADNP antisense RNA 1; plus strand), DPM1 (dolichyl-phosphate mannosyltransferase subunit 1, catalytic; minus strand). Cytogenetic location: 20q13.13.
Variant type: Deletion.
Coding change: c.679-8del on transcript NM_003859.3 (MANE Select); 8 bases into the intron before coding-DNA position 679, one base deleted (T; older notation c.679-8delT).
Molecular consequence: intron variant.
Genome position (GRCh38, 1-based): chr20:50,935,244, A deleted on the plus strand (T on the coding strand, the reverse complement: DPM1 is on the minus strand); the first of 12 consecutive A bases (chr20:50,935,244-50,935,255); deleting any one gives the same sequence. VCF-style (leftmost placement, unchanged base first): chr20-50935243-TA-T. GRCh37 (hg19) VCF-style: chr20-49551780-TA-T.
Other names: p.?; c.610-8del (NM_001317036.1); c.760-8del (NM_001317035.1); c.784-8del (NM_001317034.1); c.679-8del (NM_003859.2).
Identifiers: ClinVar variation 1203545 (VCV001203545.4), dbSNP rs11483542, ClinGen allele CA9909005.
Genomic context (GRCh38, chr20:50,935,243, plus strand): 5'-ATTTCCTCCCAACTTGGATTCACCATAAACACGATCCACAAATGATATTGGAACCTAGTT[TA>T]AAAAAAAAAAAGTAACGTTAGTCTTTAAAAACAATTAGGCAGCTTAGCCGGTATACCACA-3'

ClinVar aggregate classification (germline): Benign/Likely benign. Review status: criteria provided, multiple submitters, no conflicts (2 of 4 stars). 2 submissions from 2 submitters: Benign (1); Likely benign (1). Last evaluated 2022-12-23.

Submissions (2):

Mayo Clinic Laboratories, Mayo Clinic
Classification: Benign. Last evaluated: 2022-12-23. Review status: criteria provided, single submitter. Criteria: ACMG Guidelines, 2015. Collection method: clinical testing. Allele origin: germline. Observed: 12 variant alleles.
Comment: BA1

GeneDx
Classification: Likely benign. Last evaluated: 2019-08-25. Review status: criteria provided, single submitter. Criteria: GeneDx Variant Classification Process June 2021. Collection method: clinical testing. Allele origin: germline. Affected: yes.